The following is an entry in ClinVar:

ClinVar aggregate classification (germline): Pathogenic/Likely pathogenic. Review status: criteria provided, multiple submitters, no conflicts (2 of 4 stars). 3 submissions from 3 submitters: Pathogenic (1); Likely pathogenic (1). 1 of the submissions does not count toward it. Last evaluated 2025-10-05.

Conditions:
Osteogenesis imperfecta type III (OI3). Also called: Progressively Deforming Osteogenesis Imperfecta; Osteogenesis imperfecta type 3; OI type 3; Osteogenesis imperfecta, progressively deforming with normal sclerae; OI type III. Identifiers: Orphanet 216812, Orphanet 666, MedGen C0268362, MONDO:0009804, OMIM 259420.

Submissions (3):

Labcorp Genetics (formerly Invitae), Labcorp
Classification: Pathogenic. Last evaluated: 2025-10-05. Review status: criteria provided, single submitter. Criteria: Invitae Variant Classification Sherloc (09022015). Collection method: clinical testing. Allele origin: germline.
Comment: This sequence change replaces tryptophan, which is neutral and slightly polar, with cysteine, which is neutral and slightly polar, at codon 167 of the WNT1 protein (p.Trp167Cys). This variant is not present in population databases (gnomAD no frequency). This missense change has been observed in individual(s) with autosomal recessive osteogenesis imperfecta (PMID: 30715774, 32770541). In at least one individual the data is consistent with being in trans (on the opposite chromosome) from a pathogenic variant. ClinVar contains an entry for this variant (Variation ID: 684748). Invitae Evidence Modeling of protein sequence and biophysical properties (such as structural, functional, and spatial information, amino acid conservation, physicochemical variation, residue mobility, and thermodynamic stability) indicates that this missense variant is expected to disrupt WNT1 protein function with a positive predictive value of 80%. For these reasons, this variant has been classified as Pathogenic.

GeneDx
Classification: Likely pathogenic. Last evaluated: 2024-05-17. Review status: criteria provided, single submitter. Criteria: GeneDx Variant Classification Process June 2021. Collection method: clinical testing. Allele origin: germline. Affected: yes.
Comment: In silico analysis supports that this missense variant has a deleterious effect on protein structure/function; Not observed at significant frequency in large population cohorts (gnomAD); This variant is associated with the following publications: (PMID: 30715774, 32770541, 32413570)

Paediatric Orthopaedics Research Lab, Christian Medical College
Classification: Uncertain significance for Osteogenesis imperfecta type III. Last evaluated: 2018-11-23. Review status: flagged submission. Criteria: ACMG Guidelines, 2015. Collection method: research. Allele origin: germline. Affected: yes. Observed: 1 variant allele. Not counted in ClinVar's aggregate classification.
ClinVar note: Reason: Older claim that does not account for recent evidence

Literature cited by the submitters: PubMed 30715774 (cited by Labcorp Genetics (formerly Invitae), Labcorp); PubMed 32770541 (cited by Labcorp Genetics (formerly Invitae), Labcorp).

NM_005430.4(WNT1):c.501G>C (p.Trp167Cys)

Gene: WNT1 (Wnt family member 1; plus strand). Cytogenetic location: 12q13.12.
Variant type: single nucleotide variant.
Coding change: c.501G>C on transcript NM_005430.4 (MANE Select); coding-DNA position 501, G replaced by C.
Protein change: p.Trp167Cys; replaces tryptophan 167 with cysteine.
Molecular consequence: missense variant.
Genome position (GRCh38, 1-based): chr12:48,980,566, G>C. VCF-style: chr12-48980566-G-C. GRCh37 (hg19) VCF-style: chr12-49374349-G-C.
Other names: short protein forms W167C.
Identifiers: ClinVar variation 684748 (VCV000684748.9), dbSNP rs1592257435, ClinGen allele CA384631799.
Genomic context (GRCh38, chr12:48,980,566, plus strand): 5'-CATCGAATCCTGCACGTGTGACTACCGGCGGCGCGGCCCCGGGGGCCCCGACTGGCACTG[G>C]GGGGGCTGCAGCGACAACATTGACTTCGGCCGCCTCTTCGGCCGGGAGTTCGTGGACTCC-3'
Protein context (NP_005421.1, residues 157-177): RRGPGGPDWH[Trp167Cys]GGCSDNIDFG